The following is an entry in ClinVar:

ClinVar aggregate classification (germline): Uncertain significance. Review status: criteria provided, multiple submitters, no conflicts (2 of 4 stars). 2 submissions from 2 submitters: Uncertain significance (2). Last evaluated 2025-03-26.

Conditions:
Inborn genetic diseases. Identifiers: MedGen C0950123, MeSH D030342.

Allele frequency attached by ClinVar (database versions not stated): ExAC 0.00001; gnomAD 0.00003; TOPMed 0.00003.
gnomAD v4.1: 8 of 1,613,802 alleles (0.0005%); highest among the groups gnomAD compares: African/African-American, 0.004%; no homozygotes.

Submissions (2):

Ambry Genetics
Classification: Uncertain significance for Inborn genetic diseases. Last evaluated: 2025-03-26. Review status: criteria provided, single submitter. Criteria: Ambry Variant Classification Scheme 2023. Collection method: clinical testing. Allele origin: germline.

Labcorp Genetics (formerly Invitae), Labcorp
Classification: Uncertain significance. Last evaluated: 2023-12-14. Review status: criteria provided, single submitter. Criteria: Invitae Variant Classification Sherloc (09022015). Collection method: clinical testing. Allele origin: germline.
Comment: This sequence change replaces lysine, which is basic and polar, with threonine, which is neutral and polar, at codon 873 of the ERBB4 protein (p.Lys873Thr). This variant is present in population databases (rs770551183, gnomAD 0.007%). This variant has not been reported in the literature in individuals affected with ERBB4-related conditions. Advanced modeling of protein sequence and biophysical properties (such as structural, functional, and spatial information, amino acid conservation, physicochemical variation, residue mobility, and thermodynamic stability) performed at Invitae indicates that this missense variant is not expected to disrupt ERBB4 protein function with a negative predictive value of 80%. In summary, the available evidence is currently insufficient to determine the role of this variant in disease. Therefore, it has been classified as a Variant of Uncertain Significance.

NM_005235.3(ERBB4):c.2618A>C (p.Lys873Thr)

Gene: ERBB4 (erb-b2 receptor tyrosine kinase 4; minus strand). Cytogenetic location: 2q34.
Variant type: single nucleotide variant.
Coding change: c.2618A>C on transcript NM_005235.3 (MANE Select); coding-DNA position 2618, A replaced by C.
Protein change: p.Lys873Thr; replaces lysine 873 with threonine.
Molecular consequence: missense variant.
Genome position (GRCh38, 1-based): chr2:211,430,970, T>G on the plus strand (A>C on the coding strand, the complement: ERBB4 is on the minus strand). VCF-style: chr2-211430970-T-G. GRCh37 (hg19) VCF-style: chr2-212295695-T-G.
Other names: c.2618A>C, p.Lys873Thr (NM_001042599.2); short protein forms K873T.
Identifiers: ClinVar variation 2904797 (VCV002904797.3), dbSNP rs770551183, ClinGen allele CA2087689.